The following is an entry in ClinVar:

ClinVar aggregate classification (germline): Uncertain significance (1 of 4 stars; one submission).

Allele frequency attached by ClinVar (database versions not stated): gnomAD exomes below 0.00001; ExAC 0.00001.
gnomAD v4.1: 2 of 1,614,140 alleles (0.00012%); highest among the groups gnomAD compares: Non-Finnish European, 0.00017%; no homozygotes.

Submission:

Labcorp Genetics (formerly Invitae), Labcorp
Classification: Uncertain significance. Last evaluated: 2021-11-23. Review status: criteria provided, single submitter. Criteria: Invitae Variant Classification Sherloc (09022015). Collection method: clinical testing. Allele origin: germline.
Comment: This sequence change replaces arginine, which is basic and polar, with tryptophan, which is neutral and slightly polar, at codon 28 of the TPP1 protein (p.Arg28Trp). This variant is present in population databases (rs771499448, gnomAD 0.0009%). This variant has not been reported in the literature in individuals affected with TPP1-related conditions. ClinVar contains an entry for this variant (Variation ID: 1036351). Advanced modeling of protein sequence and biophysical properties (such as structural, functional, and spatial information, amino acid conservation, physicochemical variation, residue mobility, and thermodynamic stability) performed at Invitae indicates that this missense variant is not expected to disrupt TPP1 protein function. In summary, the available evidence is currently insufficient to determine the role of this variant in disease. Therefore, it has been classified as a Variant of Uncertain Significance.

NM_000391.4(TPP1):c.82C>T (p.Arg28Trp)

Gene: TPP1 (tripeptidyl peptidase 1; minus strand). Cytogenetic location: 11p15.4.
Variant type: single nucleotide variant.
Coding change: c.82C>T on transcript NM_000391.4 (MANE Select); coding-DNA position 82, C replaced by T.
Protein change: p.Arg28Trp; replaces arginine 28 with tryptophan.
Molecular consequence: missense variant.
Genome position (GRCh38, 1-based): chr11:6,619,203, G>A on the plus strand (C>T on the coding strand, the complement: TPP1 is on the minus strand). VCF-style: chr11-6619203-G-A. GRCh37 (hg19) VCF-style: chr11-6640434-G-A.
Other names: short protein forms R28W.
Identifiers: ClinVar variation 1036351 (VCV001036351.4), dbSNP rs771499448, ClinGen allele CA5859070.
Genomic context (GRCh38, chr11:6,619,203, plus strand): 5'-GGGAGGCAGAACAGGGTATGGGGAAGGGGGCAGTCTGTGCTAAGTCAACTCACGTCCTCC[G>A]CTGGTCGGGCTCCGGGCTGTAACTGCATTTGCCAGAGAGGATGAGGGCAAAGAGCCCTAG-3'
Protein context (NP_000382.3, residues 18-38): KCSYSPEPDQ[Arg28Trp]RTLPPGWVSL